The following is an entry in ClinVar:

ClinVar aggregate classification (germline): Uncertain significance. Review status: criteria provided, multiple submitters, no conflicts (2 of 4 stars). 2 submissions from 2 submitters: Uncertain significance (2). Last evaluated 2025-11-23.

Conditions:
Parathyroid carcinoma (PRTC). Also called: Parathyroid gland carcinoma; CDC73-Related Parathyroid Carcinoma. Identifiers: Orphanet 143, MedGen C0687150, MONDO:0012004, OMIM 608266, HP:0006780.
Hereditary cancer-predisposing syndrome. Also called: Neoplastic Syndromes, Hereditary; Tumor predisposition; Hereditary neoplastic syndrome; Hereditary Cancer Syndrome. Identifiers: Orphanet 140162, MedGen C0027672, MeSH D009386, MONDO:0015356.

Allele frequency attached by ClinVar (database versions not stated): ExAC 0.00001; gnomAD 0.00001; gnomAD exomes 0.00001; TOPMed 0.00001.
gnomAD v4.1: 10 of 1,609,540 alleles (0.00062%); highest among the groups gnomAD compares: East Asian, 0.0045%; no homozygotes.

Submissions (2):

Labcorp Genetics (formerly Invitae), Labcorp
Classification: Uncertain significance for Parathyroid carcinoma. Last evaluated: 2025-11-23. Review status: criteria provided, single submitter. Criteria: Invitae Variant Classification Sherloc (09022015). Collection method: clinical testing. Allele origin: germline.
Comment: This sequence change replaces arginine, which is basic and polar, with histidine, which is basic and polar, at codon 484 of the CDC73 protein (p.Arg484His). This variant is present in population databases (rs774557338, gnomAD 0.003%). This variant has not been reported in the literature in individuals affected with CDC73-related conditions. ClinVar contains an entry for this variant (Variation ID: 642868). Invitae Evidence Modeling of protein sequence and biophysical properties (such as structural, functional, and spatial information, amino acid conservation, physicochemical variation, residue mobility, and thermodynamic stability) indicates that this missense variant is not expected to disrupt CDC73 protein function with a negative predictive value of 80%. In summary, the available evidence is currently insufficient to determine the role of this variant in disease. Therefore, it has been classified as a Variant of Uncertain Significance.

Ambry Genetics
Classification: Uncertain significance for Hereditary cancer-predisposing syndrome. Last evaluated: 2024-05-19. Review status: criteria provided, single submitter. Criteria: Ambry Variant Classification Scheme 2023. Collection method: clinical testing. Allele origin: germline.
Comment: The p.R484H variant (also known as c.1451G>A), located in coding exon 16 of the CDC73 gene, results from a G to A substitution at nucleotide position 1451. The arginine at codon 484 is replaced by histidine, an amino acid with highly similar properties. This amino acid position is conserved. In addition, this alteration is predicted to be tolerated by in silico analysis. Since supporting evidence is limited at this time, the clinical significance of this alteration remains unclear.

NM_024529.5(CDC73):c.1451G>A (p.Arg484His)

Gene: CDC73 (cell division cycle 73; plus strand). Cytogenetic location: 1q31.2.
Variant type: single nucleotide variant.
Coding change: c.1451G>A on transcript NM_024529.5 (MANE Select); coding-DNA position 1451, G replaced by A.
Protein change: p.Arg484His; replaces arginine 484 with histidine.
Molecular consequence: missense variant.
Genome position (GRCh38, 1-based): chr1:193,249,763, G>A. VCF-style: chr1-193249763-G-A. GRCh37 (hg19) VCF-style: chr1-193218893-G-A.
Other names: short protein forms R484H.
Identifiers: ClinVar variation 642868 (VCV000642868.12), dbSNP rs774557338, ClinGen allele CA1303866.